The following is an entry in ClinVar:

NM_007078.3(LDB3):c.1086-75G>T

Gene: LDB3 (LIM domain binding 3; plus strand). Cytogenetic location: 10q23.2.
Variant type: single nucleotide variant.
Coding change: c.1086-75G>T on transcript NM_007078.3 (MANE Select); 75 bases into the intron before coding-DNA position 1086, G replaced by T.
Molecular consequence: intron variant.
Genome position (GRCh38, 1-based): chr10:86,709,830, G>T. VCF-style: chr10-86709830-G-T. GRCh37 (hg19) VCF-style: chr10-88469587-G-T.
Other names: c.897-75G>T (NM_001368064.1, NM_001368065.1); c.1101-75G>T (NM_001171610.2); c.945-75G>T (NM_001368066.1); c.756-75G>T (NM_001080114.2).
Identifiers: ClinVar variation 672747 (VCV000672747.2), dbSNP rs3740347, ClinGen allele CA13271512.

ClinVar aggregate classification (germline): Benign. Review status: criteria provided, multiple submitters, no conflicts (2 of 4 stars). 2 submissions from 2 submitters: Benign (2). Last evaluated 2018-06-14.

Allele frequency attached by ClinVar (database versions not stated): TOPMed 0.28638; gnomAD 0.29482; 1000 Genomes Project 0.34844; 1000 Genomes Project 30x 0.34931.
gnomAD v4.1: 362,316 of 1,551,302 alleles (23%); highest among the groups gnomAD compares: East Asian, 65%; 48,386 homozygotes.

Submissions (2):

GeneDx
Classification: Benign. Last evaluated: 2018-06-14. Review status: criteria provided, single submitter. Criteria: GeneDx Variant Classification (06012015). Collection method: clinical testing. Allele origin: germline. Affected: yes.
Comment: This variant is considered likely benign or benign based on one or more of the following criteria: it is a conservative change, it occurs at a poorly conserved position in the protein, it is predicted to be benign by multiple in silico algorithms, and/or has population frequency not consistent with disease.

Breakthrough Genomics
Classification: Benign. Review status: criteria provided, single submitter. Criteria: ACMG Guidelines, 2015. Collection method: not provided. Allele origin: germline. Inheritance: Autosomal dominant inheritance. Affected: yes.